The following is an entry in ClinVar:

NM_014780.5(CUL7):c.2164C>T (p.Arg722Ter)

Gene: CUL7 (cullin 7; minus strand). Cytogenetic location: 6p21.1.
Variant type: single nucleotide variant.
Coding change: c.2164C>T on transcript NM_014780.5 (MANE Select); coding-DNA position 2164, C replaced by T.
Protein change: p.Arg722Ter; replaces arginine 722 with a stop codon.
Molecular consequence: nonsense.
Genome position (GRCh38, 1-based): chr6:43,048,153, G>A on the plus strand (C>T on the coding strand, the complement: CUL7 is on the minus strand). VCF-style: chr6-43048153-G-A. GRCh37 (hg19) VCF-style: chr6-43015891-G-A.
Other names: c.2260C>T, p.Arg754Ter (NM_001168370.2, NM_001374872.1); c.2164C>T, p.Arg722Ter (NM_001374873.1, NM_001374874.1); short protein forms R722*, R754*.
Identifiers: ClinVar variation 282301 (VCV000282301.9), dbSNP rs886042376, ClinGen allele CA10604142.
Genomic context (GRCh38, chr6:43,048,153, plus strand): 5'-CAGTGGCTGCCTTTATCCTCTCCCCCAGCCTCTCCCCAGAGCAGGGCAGGGGTACCTCTC[G>A]ATCAGTGTTTGGGGACCGCAGGCAGGCCATGCAGGCATCCACGGCCTCGTGCCAGGGGAG-3'

ClinVar aggregate classification (germline): Pathogenic. Review status: criteria provided, multiple submitters, no conflicts (2 of 4 stars). 3 submissions from 3 submitters: Pathogenic (3). Last evaluated 2025-06-12.

Conditions:
3M syndrome 1. Also called: 3-M Syndrome, CUL7-Related. Identifiers: Orphanet 2616, MedGen C2678312, MONDO:0010117, OMIM 273750.

Allele frequency attached by ClinVar (database versions not stated): gnomAD exomes 0.00002; gnomAD 0.00004; TOPMed 0.00004.
gnomAD v4.1: 45 of 1,608,912 alleles (0.0028%); highest among the groups gnomAD compares: Non-Finnish European, 0.0032%; no homozygotes.

Submissions (3):

Labcorp Genetics (formerly Invitae), Labcorp
Classification: Pathogenic. Last evaluated: 2025-06-12. Review status: criteria provided, single submitter. Criteria: Invitae Variant Classification Sherloc (09022015). Collection method: clinical testing. Allele origin: germline.
Comment: This sequence change creates a premature translational stop signal (p.Arg722*) in the CUL7 gene. It is expected to result in an absent or disrupted protein product. Loss-of-function variants in CUL7 are known to be pathogenic (PMID: 16142236, 17675530, 19225462). This variant is present in population databases (no rsID available, gnomAD 0.02%). This premature translational stop signal has been observed in individual(s) with 3-M syndrome (PMID: 28969986). ClinVar contains an entry for this variant (Variation ID: 282301). For these reasons, this variant has been classified as Pathogenic.

Fulgent Genetics
Classification: Pathogenic for 3M syndrome 1. Last evaluated: 2024-05-06. Review status: criteria provided, single submitter. Criteria: ACMG Guidelines, 2015. Collection method: clinical testing. Allele origin: germline.

Eurofins Ntd Llc (ga)
Classification: Pathogenic. Last evaluated: 2015-09-09. Review status: criteria provided, single submitter. Criteria: EGL Classification Definitions 2015. Collection method: clinical testing. Allele origin: germline. Observed: 1 variant allele, 1 heterozygote.

Literature cited by the submitters: PubMed 16142236 (cited by Labcorp Genetics (formerly Invitae), Labcorp); PubMed 17675530 (cited by Labcorp Genetics (formerly Invitae), Labcorp); PubMed 19225462 (cited by Labcorp Genetics (formerly Invitae), Labcorp); PubMed 28969986 (cited by Labcorp Genetics (formerly Invitae), Labcorp).